The following is an entry in ClinVar:

ClinVar aggregate classification (germline): Uncertain significance (1 of 4 stars; one submission).

Submission:

Labcorp Genetics (formerly Invitae), Labcorp
Classification: Uncertain significance. Last evaluated: 2021-10-13. Review status: criteria provided, single submitter. Criteria: Invitae Variant Classification Sherloc (09022015). Collection method: clinical testing. Allele origin: germline.
Comment: This variant has not been reported in the literature in individuals affected with SNRNP200-related conditions. This variant is not present in population databases (ExAC no frequency). This sequence change replaces glutamine with arginine at codon 807 of the SNRNP200 protein (p.Gln807Arg). The glutamine residue is highly conserved and there is a small physicochemical difference between glutamine and arginine. Algorithms developed to predict the effect of missense changes on protein structure and function are either unavailable or do not agree on the potential impact of this missense change (SIFT: "Deleterious"; PolyPhen-2: "Probably Damaging"; Align-GVGD: "Class C0"). In summary, the available evidence is currently insufficient to determine the role of this variant in disease. Therefore, it has been classified as a Variant of Uncertain Significance. Algorithms developed to predict the effect of sequence changes on RNA splicing suggest that this variant may disrupt the consensus splice site.

NM_014014.5(SNRNP200):c.2420A>G (p.Gln807Arg)

Gene: SNRNP200 (small nuclear ribonucleoprotein U5 subunit 200; minus strand). Cytogenetic location: 2q11.2.
Variant type: single nucleotide variant.
Coding change: c.2420A>G on transcript NM_014014.5 (MANE Select); coding-DNA position 2420, A replaced by G.
Protein change: p.Gln807Arg; replaces glutamine 807 with arginine.
Molecular consequence: missense variant.
Genome position (GRCh38, 1-based): chr2:96,291,393, T>C on the plus strand (A>G on the coding strand, the complement: SNRNP200 is on the minus strand). VCF-style: chr2-96291393-T-C. GRCh37 (hg19) VCF-style: chr2-96957131-T-C.
Other names: short protein forms Q807R.
Identifiers: ClinVar variation 1384669 (VCV001384669.6), dbSNP rs2104350240, ClinGen allele CA347677462.
Genomic context (GRCh38, chr2:96,291,393, plus strand): 5'-ATTGCCCATCTTCTGAAGTATGTCCCACCTGCTCCTCCAAACGCTTTGCACCCCCTCACC[T>C]GAATATGTTTATCAGCAAAAAGATCCTCCACGAGTGTTCGGTCAACCCTGGTCATGCCTG-3'
Protein context (NP_054733.2, residues 797-817): VEDLFADKHI[Gln807Arg]VLVSTATLAW